The following is an entry in ClinVar:

ClinVar aggregate classification (germline): Pathogenic. Review status: criteria provided, multiple submitters, no conflicts (2 of 4 stars). 2 submissions from 2 submitters: Pathogenic (2). Last evaluated 2025-08-13.

Conditions:
Diabetes insipidus, nephrogenic, X-linked. Also called: Nephrogenic Diabetes Insipidus, Type I. Identifiers: Orphanet 223, MedGen C1563705, MONDO:0010581, OMIM 304800.

Submissions (2):

3billion
Classification: Pathogenic for Diabetes insipidus, nephrogenic, X-linked. Last evaluated: 2025-08-13. Review status: criteria provided, single submitter. Criteria: ACMG Guidelines, 2015. Collection method: clinical testing. Allele origin: germline. Affected: yes.
Comment: The variant is not observed in the gnomAD v4.1.0 dataset. Predicted Consequence/Location: Stop-gained (nonsense): predicted to result in a loss or disruption of normal protein function through nonsense-mediated decay (NMD) or protein truncation. Multiple pathogenic variants are reported downstream of the variant. The variant has been reported to be associated with AVPR2-related disorder (ClinVar ID: VCV002728308). Therefore, this variant is classified as Pathogenic according to the recommendation of ACMG/AMP guideline.

Labcorp Genetics (formerly Invitae), Labcorp
Classification: Pathogenic. Last evaluated: 2023-05-26. Review status: criteria provided, single submitter. Criteria: Invitae Variant Classification Sherloc (09022015). Collection method: clinical testing. Allele origin: germline.
Comment: This sequence change creates a premature translational stop signal (p.Trp71*) in the AVPR2 gene. It is expected to result in an absent or disrupted protein product. Loss-of-function variants in AVPR2 are known to be pathogenic (PMID: 8037205, 10820168). This variant is not present in population databases (gnomAD no frequency). This premature translational stop signal has been observed in individual(s) with nephrogenic diabetes insipidus (PMID: 8401502). For these reasons, this variant has been classified as Pathogenic.

Literature cited by the submitters: PubMed 8037205 (cited by Labcorp Genetics (formerly Invitae), Labcorp); PubMed 10820168 (cited by Labcorp Genetics (formerly Invitae), Labcorp); PubMed 8401502 (cited by Labcorp Genetics (formerly Invitae), Labcorp).

NM_000054.7(AVPR2):c.212G>A (p.Trp71Ter)

Gene: AVPR2 (arginine vasopressin receptor 2; plus strand). Cytogenetic location: Xq28.
Variant type: single nucleotide variant.
Coding change: c.212G>A on transcript NM_000054.7 (MANE Select); coding-DNA position 212, G replaced by A.
Protein change: p.Trp71Ter; replaces tryptophan 71 with a stop codon.
Molecular consequence: nonsense.
Genome position (GRCh38, 1-based): chrX:153,905,718, G>A. VCF-style: chrX-153905718-G-A. GRCh37 (hg19) VCF-style: chrX-153171172-G-A.
Other names: c.212G>A, p.Trp71Ter (NM_001146151.3); short protein forms W71*.
Identifiers: ClinVar variation 2728308 (VCV002728308.4), dbSNP rs2521152444, ClinGen allele CA415104260.